The following is an entry in ClinVar:

ClinVar aggregate classification (germline): Conflicting classifications of pathogenicity. Review status: criteria provided, conflicting classifications (1 of 4 stars). 3 submissions from 3 submitters: Likely pathogenic (1); Uncertain significance (1); Likely benign (1). Last evaluated 2025-10-20.

Conditions:
Singleton-Merten syndrome 1 (SGMRT1). Also called: Widened medullary cavities of bone, aortic calcification, abnormal dentition, and muscular weakness; Syndrome of widened medullary cavities of the metacarpals and phalanges, aortic calcification and abnormal dentition. Identifiers: Orphanet 85191, MedGen C4225427, MONDO:0024535, OMIM 182250.
Aicardi-Goutieres syndrome 7 (AGS7). Identifiers: Orphanet 51, MedGen C3888244, MONDO:0014367, OMIM 615846.

Allele frequency attached by ClinVar (database versions not stated): ExAC 0.00001; gnomAD 0.00001 and 0.00002; gnomAD exomes 0.00001 and 0.00002; TOPMed 0.00004.
gnomAD v4.1: 23 of 1,612,890 alleles (0.0014%); highest among the groups gnomAD compares: African/African-American, 0.0027%; no homozygotes.

Submissions (3):

Labcorp Genetics (formerly Invitae), Labcorp
Classification: Likely benign for Aicardi-Goutieres syndrome 7; Singleton-Merten syndrome 1. Last evaluated: 2025-10-20. Review status: criteria provided, single submitter. Criteria: Invitae Variant Classification Sherloc (09022015). Collection method: clinical testing. Allele origin: germline.

CeGaT Center for Human Genetics Tuebingen
Classification: Uncertain significance. Last evaluated: 2024-12-01. Review status: criteria provided, single submitter. Criteria: CeGaT Center For Human Genetics Tuebingen Variant Classification Criteria Version 2. Collection method: clinical testing. Allele origin: germline. Affected: yes. Observed: 1 variant allele.
Comment: IFIH1: PM2

Beijing Key Laboratry for Genetics of Birth Defects, Beijing Children's Hospital
Classification: Likely pathogenic for Aicardi-Goutieres syndrome 7. Last evaluated: 2020-02-28. Review status: criteria provided, single submitter. Criteria: ACMG Guidelines, 2015. Collection method: clinical testing. Allele origin: de novo. Affected: yes. Observed: 1 variant allele.

NM_022168.4(IFIH1):c.1852C>T (p.Arg618Ter)

Gene: IFIH1 (interferon induced with helicase C domain 1; minus strand). Cytogenetic location: 2q24.2.
Variant type: single nucleotide variant.
Coding change: c.1852C>T on transcript NM_022168.4 (MANE Select); coding-DNA position 1852, C replaced by T.
Protein change: p.Arg618Ter; replaces arginine 618 with a stop codon.
Molecular consequence: nonsense.
Genome position (GRCh38, 1-based): chr2:162,277,607, G>A on the plus strand (C>T on the coding strand, the complement: IFIH1 is on the minus strand). VCF-style: chr2-162277607-G-A. GRCh37 (hg19) VCF-style: chr2-163134117-G-A.
Other names: short protein forms R618*.
Identifiers: ClinVar variation 1175189 (VCV001175189.21), dbSNP rs745937740, ClinGen allele CA1934372.